The following is an entry in ClinVar:

NM_003560.4(PLA2G6):c.1983G>A (p.Thr661=)

Gene: PLA2G6 (phospholipase A2 group VI; minus strand). Cytogenetic location: 22q13.1.
Variant type: single nucleotide variant.
Coding change: c.1983G>A on transcript NM_003560.4 (MANE Select); coding-DNA position 1983, G replaced by A.
Protein change: p.Thr661=; no amino-acid change (threonine 661 retained).
Molecular consequence: synonymous variant.
Genome position (GRCh38, 1-based): chr22:38,115,578, C>T on the plus strand (G>A on the coding strand, the complement: PLA2G6 is on the minus strand). VCF-style: chr22-38115578-C-T. GRCh37 (hg19) VCF-style: chr22-38511585-C-T.
Other names: p.Thr661=; c.1821G>A, p.Thr607= (NM_001004426.3, NM_001199562.3, NM_001349865.2 and 1 more transcripts); c.1983G>A, p.Thr661= (NM_001349864.2); c.1449G>A, p.Thr483= (NM_001349867.2); c.1305G>A, p.Thr435= (NM_001349868.2); c.1287G>A, p.Thr429= (NM_001349869.2).
Identifiers: ClinVar variation 706223 (VCV000706223.14), dbSNP rs150572286, ClinGen allele CA10230662.
Genomic context (GRCh38, chr22:38,115,578, plus strand): 5'-GGCACTCACCTTGCGGATCAGGTCCTGATTGTACTCATGGATCTCGGTCATGGCATCCAG[C>T]GTGGGGTTGTTGGCCAGCAGCCCACCGTCCAGGAAGCGCCCATTGGGTCGGAAGTAAGTA-3'
Protein context (NP_003551.2, residues 651-671): LDGGLLANNP[Thr661=]LDAMTEIHEY

ClinVar aggregate classification (germline): Conflicting classifications of pathogenicity. Review status: criteria provided, conflicting classifications (1 of 4 stars). 4 submissions from 4 submitters: Uncertain significance (1); Likely benign (3). Last evaluated 2025-11-28.

Conditions:
PLA2G6-associated neurodegeneration (PLAN). Also called: phospholipase A2-associated neurodegeneration. Identifiers: Orphanet 329303, MedGen CN204472, MONDO:0017998.
Infantile neuroaxonal dystrophy (NBIA2A). Also called: Infantile neuroaxonal dystrophy 1; NEURODEGENERATION WITH BRAIN IRON ACCUMULATION 2A; SEITELBERGER DISEASE. Identifiers: Orphanet 35069, MedGen C0270724, MONDO:0024457, OMIM 256600.

Allele frequency attached by ClinVar (database versions not stated): gnomAD 0.00007 and 0.00008; gnomAD exomes 0.00006 and 0.00008; ExAC 0.00008; ESP Exome Variant Server 0.00031; TOPMed 0.00008.
gnomAD v4.1: 129 of 1,613,438 alleles (0.008%); highest among the groups gnomAD compares: Middle Eastern, 0.017%; no homozygotes.

Submissions (4):

Labcorp Genetics (formerly Invitae), Labcorp
Classification: Likely benign for Infantile neuroaxonal dystrophy. Last evaluated: 2025-11-28. Review status: criteria provided, single submitter. Criteria: Invitae Variant Classification Sherloc (09022015). Collection method: clinical testing. Allele origin: germline.

Mayo Clinic Laboratories, Mayo Clinic
Classification: Likely benign. Last evaluated: 2025-03-19. Review status: criteria provided, single submitter. Criteria: ACMG Guidelines, 2015. Collection method: clinical testing. Allele origin: germline. Observed: 1 variant allele.
Comment: BP4, BP7

GeneDx
Classification: Likely benign. Last evaluated: 2020-08-26. Review status: criteria provided, single submitter. Criteria: GeneDx Variant Classification Process June 2021. Collection method: clinical testing. Allele origin: germline. Affected: yes.

Illumina Laboratory Services, Illumina
Classification: Uncertain significance for PLA2G6-associated neurodegeneration. Last evaluated: 2018-01-13. Review status: criteria provided, single submitter. Criteria: ICSL Variant Classification Criteria 13 December 2019. Collection method: clinical testing. Allele origin: germline.